The following is an entry in ClinVar:

ClinVar aggregate classification (germline): Pathogenic (1 of 4 stars; one submission).

Submission:

Labcorp Genetics (formerly Invitae), Labcorp
Classification: Pathogenic. Last evaluated: 2024-12-31. Review status: criteria provided, single submitter. Criteria: Invitae Variant Classification Sherloc (09022015). Collection method: clinical testing. Allele origin: germline.
Comment: This sequence change results in a frameshift in the NKX2-1 gene (p.Ala70Valfs*368). While this is not anticipated to result in nonsense mediated decay, it is expected to disrupt the last 332 amino acid(s) of the NKX2-1 protein and extend the protein by 35 additional amino acid residues. This variant is not present in population databases (gnomAD no frequency). This variant has not been reported in the literature in individuals affected with NKX2-1-related conditions. This variant disrupts a region of the NKX2-1 protein in which other variant(s) (p.Gln356*) have been determined to be pathogenic (Internal data). This suggests that this is a clinically significant region of the protein, and that variants that disrupt it are likely to be disease-causing. For these reasons, this variant has been classified as Pathogenic.

NM_001079668.3(NKX2-1):c.209_210del (p.Ala70fs)

Genes: NKX2-1 (NK2 homeobox 1; minus strand), SFTA3 (surfactant associated 3; minus strand). Cytogenetic location: 14q13.3.
Variant type: Deletion.
Coding change: c.209_210del on transcript NM_001079668.3 (MANE Select); coding-DNA positions 209 to 210, 2 bases deleted (CG; older notation c.209_210delCG).
Protein change: p.Ala70fs; shifts the reading frame from alanine 70.
Molecular consequence: frameshift variant.
Genome position (GRCh38, 1-based): chr14:36,519,238-36,519,239, CG deleted on the plus strand (CG on the coding strand, the reverse complement: NKX2-1 is on the minus strand); deleting any 2 consecutive bases within chr14:36,519,238-36,519,240 gives the same sequence; the c. name uses the placement nearest the transcript's 3' end. VCF-style (leftmost placement, unchanged base first): chr14-36519237-ACG-A. GRCh37 (hg19) VCF-style: chr14-36988442-ACG-A.
Other names: c.119_120del, p.Ala40fs (NM_003317.4); short protein forms A70fs, A40fs.
Identifiers: ClinVar variation 3728329 (VCV003728329.2).